The following is an entry in ClinVar:

NM_001386298.1(CIC):c.2850C>T (p.Val950=)

Gene: CIC (capicua transcriptional repressor; plus strand). Cytogenetic location: 19q13.2.
Variant type: single nucleotide variant.
Coding change: c.2850C>T on transcript NM_001386298.1 (MANE Select); coding-DNA position 2850, C replaced by T.
Protein change: p.Val950=; no amino-acid change (valine 950 retained).
Molecular consequence: synonymous variant.
Genome position (GRCh38, 1-based): chr19:42,286,826, C>T. VCF-style: chr19-42286826-C-T. GRCh37 (hg19) VCF-style: chr19-42790978-C-T.
Other names: c.2850C>T, p.Val950= (NM_001304815.2, NM_001379480.1, NM_001379482.1 and 6 more transcripts); c.123C>T, p.Val41= (NM_001379484.1, NM_001379485.1, NM_001439189.1 and 3 more transcripts).
Identifiers: ClinVar variation 4874614 (VCV004874614.2).

ClinVar aggregate classification (germline): Likely benign (1 of 4 stars; one submission).

gnomAD v4.1: 3 of 1,613,974 alleles (0.00019%); highest among the groups gnomAD compares: Non-Finnish European, 0.00025%; no homozygotes.

Submission:

CeGaT Center for Human Genetics Tuebingen
Classification: Likely benign. Last evaluated: 2026-04-01. Review status: criteria provided, single submitter. Criteria: CeGaT Center For Human Genetics Tuebingen Variant Classification Criteria Version 2. Collection method: clinical testing. Allele origin: germline. Affected: yes. Observed: 1 variant allele.
Comment: CIC: BP4, BP7